The following is an entry in ClinVar:

ClinVar aggregate classification (germline): Uncertain significance (1 of 4 stars; one submission).

Allele frequency attached by ClinVar (database versions not stated): TOPMed 0.00001.
gnomAD v4.1: 12 of 1,608,594 alleles (0.00075%); highest among the groups gnomAD compares: East Asian, 0.0022%; no homozygotes.

Submission:

GeneDx
Classification: Uncertain significance. Last evaluated: 2023-10-06. Review status: criteria provided, single submitter. Criteria: GeneDx Variant Classification Process June 2021. Collection method: clinical testing. Allele origin: germline. Affected: yes.
Comment: In silico analysis supports that this missense variant has a deleterious effect on protein structure/function; Has not been previously published as pathogenic or benign to our knowledge

NM_001145809.2(MYH14):c.4642C>T (p.Arg1548Trp)

Gene: MYH14 (myosin heavy chain 14; plus strand). Cytogenetic location: 19q13.33.
Variant type: single nucleotide variant.
Coding change: c.4642C>T on transcript NM_001145809.2 (MANE Select); coding-DNA position 4642, C replaced by T.
Protein change: p.Arg1548Trp; replaces arginine 1548 with tryptophan.
Molecular consequence: missense variant.
Genome position (GRCh38, 1-based): chr19:50,286,584, C>T. VCF-style: chr19-50286584-C-T. GRCh37 (hg19) VCF-style: chr19-50789841-C-T.
Other names: c.4543C>T, p.Arg1515Trp (NM_001077186.2); c.4519C>T, p.Arg1507Trp (NM_024729.4); short protein forms R1507W, R1515W, R1548W.
Identifiers: ClinVar variation 3252239 (VCV003252239.1), dbSNP rs893490164.